The following is an entry in ClinVar:

ClinVar aggregate classification (germline): Uncertain significance (1 of 4 stars; one submission).

Conditions:
Tuberous sclerosis 2 (TSC2). Identifiers: Orphanet 805, MedGen C1860707, MONDO:0013199, OMIM 613254.

gnomAD v4.1: 1 of 1,613,256 alleles (0.000062%); highest among the groups gnomAD compares: African/African-American, 0.0013%; no homozygotes.

Submission:

Labcorp Genetics (formerly Invitae), Labcorp
Classification: Uncertain significance for Tuberous sclerosis 2. Last evaluated: 2025-08-14. Review status: criteria provided, single submitter. Criteria: Invitae Variant Classification Sherloc (09022015). Collection method: clinical testing. Allele origin: germline.
Comment: This sequence change replaces aspartic acid, which is acidic and polar, with glutamic acid, which is acidic and polar, at codon 1512 of the TSC2 protein (p.Asp1512Glu). This variant is not present in population databases (gnomAD no frequency). This variant has not been reported in the literature in individuals affected with TSC2-related conditions. ClinVar contains an entry for this variant (Variation ID: 1392457). Invitae Evidence Modeling of protein sequence and biophysical properties (such as structural, functional, and spatial information, amino acid conservation, physicochemical variation, residue mobility, and thermodynamic stability) indicates that this missense variant is not expected to disrupt TSC2 protein function with a negative predictive value of 95%. In summary, the available evidence is currently insufficient to determine the role of this variant in disease. Therefore, it has been classified as a Variant of Uncertain Significance.

NM_000548.5(TSC2):c.4536C>G (p.Asp1512Glu)

Gene: TSC2 (TSC complex subunit 2; plus strand). Cytogenetic location: 16p13.3.
Variant type: single nucleotide variant.
Coding change: c.4536C>G on transcript NM_000548.5 (MANE Select); coding-DNA position 4536, C replaced by G.
Protein change: p.Asp1512Glu; replaces aspartic acid 1512 with glutamic acid.
Molecular consequence: missense variant.
Genome position (GRCh38, 1-based): chr16:2,084,993, C>G. VCF-style: chr16-2084993-C-G. GRCh37 (hg19) VCF-style: chr16-2134994-C-G.
Other names: c.4227C>G, p.Asp1409Glu (NM_001318827.2); c.4191C>G, p.Asp1397Glu (NM_001318829.2); c.3804C>G, p.Asp1268Glu (NM_001318831.2); c.4368C>G, p.Asp1456Glu (NM_001318832.2); c.4338C>G, p.Asp1446Glu (NM_001363528.2); c.4404C>G, p.Asp1468Glu (NM_001370404.1); c.4407C>G, p.Asp1469Glu (NM_001370405.1, NM_021055.3); c.4335C>G, p.Asp1445Glu (NM_001077183.3); and 1 more; short protein forms D1409E, D1456E, D1489E, D1397E, D1446E, D1268E, D1445E, D1469E.
Identifiers: ClinVar variation 1392457 (VCV001392457.8), dbSNP rs35986575, ClinGen allele CA394302901.